The following is an entry in ClinVar:

NM_000117.3(EMD):c.97C>G (p.Leu33Val)

Gene: EMD (emerin; plus strand). Cytogenetic location: Xq28.
Variant type: single nucleotide variant.
Coding change: c.97C>G on transcript NM_000117.3 (MANE Select); coding-DNA position 97, C replaced by G.
Protein change: p.Leu33Val; replaces leucine 33 with valine.
Molecular consequence: missense variant.
Genome position (GRCh38, 1-based): chrX:154,379,704, C>G. VCF-style: chrX-154379704-C-G. GRCh37 (hg19) VCF-style: chrX-153608064-C-G.
Other names: short protein forms L33V.
Identifiers: ClinVar variation 1768245 (VCV001768245.2), dbSNP rs2522787471, ClinGen allele CA415257326.

ClinVar aggregate classification (germline): Uncertain significance (1 of 4 stars; one submission).

Conditions:
Cardiovascular phenotype. Identifiers: MedGen CN230736.

Allele frequency attached by ClinVar (database versions not stated): gnomAD exomes 0.00002.

Submission:

Ambry Genetics
Classification: Uncertain significance for Cardiovascular phenotype. Last evaluated: 2020-06-01. Review status: criteria provided, single submitter. Criteria: Ambry Variant Classification Scheme 2023. Collection method: clinical testing. Allele origin: germline.
Comment: The p.L33V variant (also known as c.97C>G), located in coding exon 2 of the EMD gene, results from a C to G substitution at nucleotide position 97. The leucine at codon 33 is replaced by valine, an amino acid with highly similar properties. This amino acid position is highly conserved in available vertebrate species. In addition, this alteration is predicted to be tolerated by in silico analysis. Since supporting evidence is limited at this time, the clinical significance of this alteration remains unclear.